The following is an entry in ClinVar:

ClinVar aggregate classification (germline): Uncertain significance. Review status: criteria provided, multiple submitters, no conflicts (2 of 4 stars). 2 submissions from 2 submitters: Uncertain significance (2). Last evaluated 2025-03-08.

Conditions:
Inborn genetic diseases. Identifiers: MedGen C0950123, MeSH D030342.

Allele frequency attached by ClinVar (database versions not stated): gnomAD exomes below 0.00001; gnomAD 0.00002.
gnomAD v4.1: 6 of 1,613,108 alleles (0.00037%); highest among the groups gnomAD compares: African/African-American, 0.0053%; no homozygotes.

Submissions (2):

Ambry Genetics
Classification: Uncertain significance for Inborn genetic diseases. Last evaluated: 2025-03-08. Review status: criteria provided, single submitter. Criteria: Ambry Variant Classification Scheme 2023. Collection method: clinical testing. Allele origin: germline.

GeneDx
Classification: Uncertain significance. Last evaluated: 2023-08-22. Review status: criteria provided, single submitter. Criteria: GeneDx Variant Classification Process June 2021. Collection method: clinical testing. Allele origin: germline. Affected: yes.
Comment: Has not been previously published as pathogenic or benign to our knowledge; In silico analysis supports that this missense variant does not alter protein structure/function

NM_033109.5(PNPT1):c.1717G>C (p.Glu573Gln)

Gene: PNPT1 (polyribonucleotide nucleotidyltransferase 1; minus strand). Cytogenetic location: 2p16.1.
Variant type: single nucleotide variant.
Coding change: c.1717G>C on transcript NM_033109.5 (MANE Select); coding-DNA position 1717, G replaced by C.
Protein change: p.Glu573Gln; replaces glutamic acid 573 with glutamine.
Molecular consequence: missense variant.
Genome position (GRCh38, 1-based): chr2:55,646,280, C>G on the plus strand (G>C on the coding strand, the complement: PNPT1 is on the minus strand). VCF-style: chr2-55646280-C-G. GRCh37 (hg19) VCF-style: chr2-55873415-C-G.
Other names: c.1717G>C (NM_033109.3); short protein forms E573Q.
Identifiers: ClinVar variation 2577597 (VCV002577597.2), dbSNP rs1185622350, ClinGen allele CA346925447.